The following is an entry in ClinVar:

NM_006197.4(PCM1):c.3688G>C (p.Val1230Leu)

Gene: PCM1 (pericentriolar material 1; plus strand). Cytogenetic location: 8p22.
Variant type: single nucleotide variant.
Coding change: c.3688G>C on transcript NM_006197.4 (MANE Select); coding-DNA position 3688, G replaced by C.
Protein change: p.Val1230Leu; replaces valine 1230 with leucine.
Molecular consequence: missense variant. On other transcripts: non-coding transcript variant (1).
Genome position (GRCh38, 1-based): chr8:17,972,432, G>C. VCF-style: chr8-17972432-G-C. GRCh37 (hg19) VCF-style: chr8-17829941-G-C.
Other names: c.3688G>C, p.Val1230Leu (NM_001315507.2, NM_001352634.2, NM_001352639.2 and 13 more transcripts); c.3691G>C, p.Val1231Leu (NM_001315508.2, NM_001352635.2, NM_001352640.2 and 2 more transcripts); c.3805G>C, p.Val1269Leu (NM_001352632.2, NM_001352633.2, NM_001352637.2 and 4 more transcripts); c.3808G>C, p.Val1270Leu (NM_001352636.2); c.3805G>C (NM_001352632.1); short protein forms V1230L, V1231L, V1269L, V1270L.
Identifiers: ClinVar variation 2658450 (VCV002658450.25), dbSNP rs201152808, ClinGen allele CA4649575.

ClinVar aggregate classification (germline): Likely benign. Review status: criteria provided, single submitter (1 of 4 stars). 2 submissions from 2 submitters: Likely benign (1). 1 of the submissions does not count toward it. Last evaluated 2023-05-01.

Conditions:
PCM1-related disorder. Also called: PCM1-related condition.

Allele frequency attached by ClinVar (database versions not stated): 1000 Genomes Project 0.00040; 1000 Genomes Project 30x 0.00047; ESP Exome Variant Server 0.00151.
gnomAD v4.1: 1,709 of 1,612,958 alleles (0.11%); highest among the groups gnomAD compares: Non-Finnish European, 0.13%; 7 homozygotes.

Submissions (2):

CeGaT Center for Human Genetics Tuebingen
Classification: Likely benign. Last evaluated: 2023-05-01. Review status: criteria provided, single submitter. Criteria: CeGaT Center For Human Genetics Tuebingen Variant Classification Criteria Version 2. Collection method: clinical testing. Allele origin: germline. Affected: yes. Observed: 1 variant allele.
Comment: PCM1: BP4, BS2

PreventionGenetics, part of Exact Sciences
Classification: Likely benign for PCM1-related condition. Last evaluated: 2022-12-07. Review status: no assertion criteria provided. Collection method: clinical testing. Allele origin: germline. Not counted in ClinVar's aggregate classification.
Comment: This variant is classified as likely benign based on ACMG/AMP sequence variant interpretation guidelines (Richards et al. 2015 PMID: 25741868, with internal and published modifications).